The following is an entry in ClinVar:

ClinVar aggregate classification (germline): Uncertain significance (1 of 4 stars; one submission).

Conditions:
Cardiovascular phenotype. Identifiers: MedGen CN230736.

Submission:

Ambry Genetics
Classification: Uncertain significance for Cardiovascular phenotype. Last evaluated: 2019-10-21. Review status: criteria provided, single submitter. Criteria: Ambry Variant Classification Scheme 2023. Collection method: clinical testing. Allele origin: germline.
Comment: The p.G207S variant (also known as c.619G>A), located in coding exon 5 of the LAMA4 gene, results from a G to A substitution at nucleotide position 619. The glycine at codon 207 is replaced by serine, an amino acid with similar properties. This amino acid position is highly conserved in available vertebrate species. In addition, this alteration is predicted to be deleterious by in silico analysis. Since supporting evidence is limited at this time, the clinical significance of this alteration remains unclear.

NM_001105206.3(LAMA4):c.619G>A (p.Gly207Ser)

Gene: LAMA4 (laminin subunit alpha 4; minus strand). Cytogenetic location: 6q21.
Variant type: single nucleotide variant.
Coding change: c.619G>A on transcript NM_001105206.3 (MANE Select); coding-DNA position 619, G replaced by A.
Protein change: p.Gly207Ser; replaces glycine 207 with serine.
Molecular consequence: missense variant.
Genome position (GRCh38, 1-based): chr6:112,191,735, C>T on the plus strand (G>A on the coding strand, the complement: LAMA4 is on the minus strand). VCF-style: chr6-112191735-C-T. GRCh37 (hg19) VCF-style: chr6-112512937-C-T.
Other names: c.619G>A, p.Gly207Ser (NM_001105207.3, NM_002290.5); short protein forms G207S.
Identifiers: ClinVar variation 1752151 (VCV001752151.2), dbSNP rs2547155228, ClinGen allele CA365378127.
Genomic context (GRCh38, chr6:112,191,735, plus strand): 5'-CAGGAGCGCAACGTTCACACTTGAATCCGGTGGTGTTGCGTAAGCAATTCCTACACTGGC[C>T]AGTGACTTCATCACAATCTTCAAAGATCAGGTTGGGATCTGAATTTCCACTGCAGTCACA-3'
Protein context (NP_001098676.2, residues 197-217): LIFEDCDEVT[Gly207Ser]QCRNCLRNTT